The following is an entry in ClinVar:

NM_020937.4(FANCM):c.877C>T (p.Leu293Phe)

Gene: FANCM (FA complementation group M; plus strand). Cytogenetic location: 14q21.2.
Variant type: single nucleotide variant.
Coding change: c.877C>T on transcript NM_020937.4 (MANE Select); coding-DNA position 877, C replaced by T.
Protein change: p.Leu293Phe; replaces leucine 293 with phenylalanine.
Molecular consequence: missense variant.
Genome position (GRCh38, 1-based): chr14:45,148,954, C>T. VCF-style: chr14-45148954-C-T. GRCh37 (hg19) VCF-style: chr14-45618157-C-T.
Other names: c.799C>T, p.Leu267Phe (NM_001308133.2); c.877C>T, p.Leu293Phe (NM_001308134.2); short protein forms L293F, L267F.
Identifiers: ClinVar variation 1041096 (VCV001041096.8), dbSNP rs1886627288, ClinGen allele CA389590133.
Genomic context (GRCh38, chr14:45,148,954, plus strand): 5'-GATTCTCCAGATATTTTGACATATTCTCATGAAAGAAAAGTTGAAAAGCTTATTGTTCCG[C>T]TTGGTGAAGAACTTGCAGCCATCCAAAAGACCTATATCCAGGTAAACCATTTTTATGACA-3'
Protein context (NP_065988.1, residues 283-303): ERKVEKLIVP[Leu293Phe]GEELAAIQKT

ClinVar aggregate classification (germline): Uncertain significance (1 of 4 stars; one submission).

Conditions:
Fanconi anemia (FA). Also called: Fanconi's anemia. Identifiers: Orphanet 84, MedGen C0015625, MeSH D005199, MONDO:0019391.

Allele frequency attached by ClinVar (database versions not stated): gnomAD exomes below 0.00001.
gnomAD v4.1: 4 of 1,613,778 alleles (0.00025%); highest among the groups gnomAD compares: Non-Finnish European, 0.00034%; no homozygotes.

Submission:

Labcorp Genetics (formerly Invitae), Labcorp
Classification: Uncertain significance for Fanconi anemia. Last evaluated: 2020-06-01. Review status: criteria provided, single submitter. Criteria: Invitae Variant Classification Sherloc (09022015). Collection method: clinical testing. Allele origin: germline.
Comment: This variant is not present in population databases (ExAC no frequency). This variant has not been reported in the literature in individuals with FANCM-related conditions. Algorithms developed to predict the effect of missense changes on protein structure and function are either unavailable or do not agree on the potential impact of this missense change (SIFT: "Deleterious"; PolyPhen-2: "Benign"; Align-GVGD: "Class C0"). In summary, the available evidence is currently insufficient to determine the role of this variant in disease. Therefore, it has been classified as a Variant of Uncertain Significance. This sequence change replaces leucine with phenylalanine at codon 293 of the FANCM protein (p.Leu293Phe). The leucine residue is highly conserved and there is a small physicochemical difference between leucine and phenylalanine.